The following is an entry in ClinVar:

ClinVar aggregate classification (germline): Uncertain significance (1 of 4 stars; one submission).

Allele frequency attached by ClinVar (database versions not stated): gnomAD exomes below 0.00001.
gnomAD v4.1: 1 of 1,608,518 alleles (0.000062%); highest among the groups gnomAD compares: Non-Finnish European, 0.000085%; no homozygotes.

Submission:

Labcorp Genetics (formerly Invitae), Labcorp
Classification: Uncertain significance. Last evaluated: 2024-02-08. Review status: criteria provided, single submitter. Criteria: Invitae Variant Classification Sherloc (09022015). Collection method: clinical testing. Allele origin: germline.
Comment: This sequence change affects an acceptor splice site in intron 10 of the GALNT3 gene. While this variant is not anticipated to result in nonsense mediated decay, it likely alters RNA splicing and results in a disrupted protein product. This variant is not present in population databases (gnomAD no frequency). This variant has not been reported in the literature in individuals affected with GALNT3-related conditions. Variants that disrupt the consensus splice site are a relatively common cause of aberrant splicing (PMID: 17576681, 9536098). Algorithms developed to predict the effect of sequence changes on RNA splicing suggest that this variant may disrupt the consensus splice site. In summary, the available evidence is currently insufficient to determine the role of this variant in disease. Therefore, it has been classified as a Variant of Uncertain Significance.

Literature cited by the submitters: PubMed 17576681; PubMed 9536098.

NM_004482.4(GALNT3):c.1780-1G>A

Gene: GALNT3 (polypeptide N-acetylgalactosaminyltransferase 3; minus strand). Cytogenetic location: 2q24.3.
Variant type: single nucleotide variant.
Coding change: c.1780-1G>A on transcript NM_004482.4 (MANE Select); the canonical splice acceptor site of the intron before coding-DNA position 1780, G replaced by A.
Molecular consequence: splice acceptor variant.
Genome position (GRCh38, 1-based): chr2:165,748,904, C>T on the plus strand (G>A on the coding strand, the complement: GALNT3 is on the minus strand). VCF-style: chr2-165748904-C-T. GRCh37 (hg19) VCF-style: chr2-166605414-C-T.
Identifiers: ClinVar variation 2705778 (VCV002705778.3), dbSNP rs2467853893, ClinGen allele CA349027744.